The following is an entry in ClinVar:

ClinVar aggregate classification (germline): Uncertain significance (1 of 4 stars; one submission).

Allele frequency attached by ClinVar (database versions not stated): gnomAD exomes below 0.00001; TOPMed below 0.00001; gnomAD 0.00001.
gnomAD v4.1: 2 of 1,613,984 alleles (0.00012%); highest among the groups gnomAD compares: Admixed American, 0.0017%; no homozygotes.

Submission:

Ambry Genetics
Classification: Uncertain significance. Last evaluated: 2024-05-17. Review status: criteria provided, single submitter. Criteria: Ambry Variant Classification Scheme 2023. Collection method: clinical testing. Allele origin: germline.
Comment: The p.Q574R variant (also known as c.1721A>G), located in coding exon 11 of the POLQ gene, results from an A to G substitution at nucleotide position 1721. The glutamine at codon 574 is replaced by arginine, an amino acid with highly similar properties. This amino acid position is conserved. In addition, this alteration is predicted to be tolerated by in silico analysis. Since supporting evidence is limited at this time, the clinical significance of this alteration remains unclear.

NM_199420.4(POLQ):c.1721A>G (p.Gln574Arg)

Gene: POLQ (DNA polymerase theta; minus strand). Cytogenetic location: 3q13.33.
Variant type: single nucleotide variant.
Coding change: c.1721A>G on transcript NM_199420.4 (MANE Select); coding-DNA position 1721, A replaced by G.
Protein change: p.Gln574Arg; replaces glutamine 574 with arginine.
Molecular consequence: missense variant.
Genome position (GRCh38, 1-based): chr3:121,510,134, T>C on the plus strand (A>G on the coding strand, the complement: POLQ is on the minus strand). VCF-style: chr3-121510134-T-C. GRCh37 (hg19) VCF-style: chr3-121228981-T-C.
Other names: short protein forms Q574R.
Identifiers: ClinVar variation 1778766 (VCV001778766.3), dbSNP rs1415385002, ClinGen allele CA354114819.
Genomic context (GRCh38, chr3:121,510,134, plus strand): 5'-AATTCATTTTCTAGTAGCCACATCACACAGGCCTCAATCGCTCCAAGCTGAACAGACTCT[T>C]GATTTCTCTGAATTCCTTGCTTCCCTTCTTTCATACTTGCAGCCAAAAATGTGCAGGCAG-3'
Protein context (NP_955452.3, residues 564-584): KEGKQGIQRN[Gln574Arg]ESVQLGAIEA